The following is an entry in ClinVar:

ClinVar aggregate classification (germline): Likely pathogenic (1 of 4 stars; one submission).

Conditions:
Congenital disorder of glycosylation type 1EE with or without immunodeficiency. Identifiers: Orphanet 695110, MedGen C6012707, MONDO:0976261, OMIM 621140.

gnomAD v4.1: 16 of 1,613,332 alleles (0.00099%); highest among the groups gnomAD compares: South Asian, 0.016%; 1 homozygote.

Submission:

First Genomix Gene Laboratory, Genetic Diagnostics Department
Classification: Likely pathogenic for Congenital disorder of glycosylation type 1EE with or without immunodeficiency. Last evaluated: 2025-09-17. Review status: criteria provided, single submitter. Criteria: ACMG Guidelines, 2015. Collection method: clinical testing. Allele origin: germline. Inheritance: Autosomal recessive inheritance. Affected: no. Observed: 1 variant allele.

NM_015274.3(MAN2B2):c.1074G>A (p.Trp358Ter)

Gene: MAN2B2 (mannosidase alpha class 2B member 2; plus strand). Cytogenetic location: 4p16.1.
Variant type: single nucleotide variant.
Coding change: c.1074G>A on transcript NM_015274.3 (MANE Select); coding-DNA position 1074, G replaced by A.
Protein change: p.Trp358Ter; replaces tryptophan 358 with a stop codon.
Molecular consequence: nonsense.
Genome position (GRCh38, 1-based): chr4:6,597,129, G>A. VCF-style: chr4-6597129-G-A. GRCh37 (hg19) VCF-style: chr4-6598856-G-A.
Other names: c.921G>A, p.Trp307Ter (NM_001292038.2); short protein forms W307*, W358*.
Identifiers: ClinVar variation 4850364 (VCV004850364.1).
Genomic context (GRCh38, chr4:6,597,129, plus strand): 5'-TGGGTCATGCCGTCTCAAGCTCACCATCTTCCCTTGTCTCCCAGAACCATTCCAGGCCTG[G>A]ACGGGCTTCTACACGTCCCGCAGCTCACTGAAGGGGCTGGCCCGGCGAGCCAGCGCCTTG-3'